The following is an entry in ClinVar:

ClinVar aggregate classification (germline): Uncertain significance (1 of 4 stars; one submission).

Conditions:
Dilated cardiomyopathy 1DD (CMD1DD). Identifiers: Orphanet 154, MedGen C2750995, MONDO:0013168, OMIM 613172.

gnomAD v4.1: 1 of 1,551,794 alleles (0.000064%); highest among the groups gnomAD compares: Non-Finnish European, 0.000087%; no homozygotes.

Submission:

Labcorp Genetics (formerly Invitae), Labcorp
Classification: Uncertain significance for Dilated cardiomyopathy 1DD. Last evaluated: 2024-07-06. Review status: criteria provided, single submitter. Criteria: Invitae Variant Classification Sherloc (09022015). Collection method: clinical testing. Allele origin: germline.
Comment: This sequence change replaces glutamic acid, which is acidic and polar, with aspartic acid, which is acidic and polar, at codon 918 of the RBM20 protein (p.Glu918Asp). This variant is not present in population databases (gnomAD no frequency). This variant has not been reported in the literature in individuals affected with RBM20-related conditions. Advanced modeling of protein sequence and biophysical properties (such as structural, functional, and spatial information, amino acid conservation, physicochemical variation, residue mobility, and thermodynamic stability) performed at Invitae indicates that this missense variant is not expected to disrupt RBM20 protein function with a negative predictive value of 95%. In summary, the available evidence is currently insufficient to determine the role of this variant in disease. Therefore, it has been classified as a Variant of Uncertain Significance.

NM_001134363.3(RBM20):c.2754A>T (p.Glu918Asp)

Gene: RBM20 (RNA binding motif protein 20; plus strand). Cytogenetic location: 10q25.2.
Variant type: single nucleotide variant.
Coding change: c.2754A>T on transcript NM_001134363.3 (MANE Select); coding-DNA position 2754, A replaced by T.
Protein change: p.Glu918Asp; replaces glutamic acid 918 with aspartic acid.
Molecular consequence: missense variant.
Genome position (GRCh38, 1-based): chr10:110,821,373, A>T. VCF-style: chr10-110821373-A-T. GRCh37 (hg19) VCF-style: chr10-112581131-A-T.
Other names: short protein forms E918D.
Identifiers: ClinVar variation 3624607 (VCV003624607.2).